The following is an entry in ClinVar:

NM_001197104.2(KMT2A):c.3809del (p.Lys1270fs)

Gene: KMT2A (lysine methyltransferase 2A; plus strand). Cytogenetic location: 11q23.3.
Variant type: Deletion.
Coding change: c.3809del on transcript NM_001197104.2 (MANE Select); coding-DNA position 3809, one base deleted (A; older notation c.3809delA).
Protein change: p.Lys1270fs; shifts the reading frame from lysine 1270.
Molecular consequence: frameshift variant.
Genome position (GRCh38, 1-based): chr11:118,481,889, A deleted; the last of 4 consecutive A bases (chr11:118,481,886-118,481,889); deleting any one gives the same sequence. VCF-style (leftmost placement, unchanged base first): chr11-118481885-GA-G. GRCh37 (hg19) VCF-style: chr11-118352600-GA-G.
Other names: c.3908del, p.Lys1303fs (NM_001412597.1); c.3809del, p.Lys1270fs (NM_005933.4); short protein forms K1270fs, K1303fs.
Identifiers: ClinVar variation 4871690 (VCV004871690.1).

ClinVar aggregate classification (germline): Pathogenic (1 of 4 stars; one submission).

Conditions:
Wiedemann-Steiner syndrome (WDSTS). Also called: Growth deficiency and mental retardation with facial dysmorphism. Identifiers: Orphanet 319182, MedGen C1854630, MONDO:0011518, OMIM 605130.

Submission:

Centro Nacional de Genética Medica, Administración Nacional de Laboratorios e Institutos de Salud (ANLIS) “Dr. Carlos G Malbrán”
Classification: Pathogenic for Wiedemann-Steiner syndrome. Last evaluated: 2024-09-20. Review status: criteria provided, single submitter. Criteria: ACMG Guidelines, 2015. Collection method: clinical testing. Allele origin: germline. Affected: yes. Observed: 1 variant allele.
Comment: The heterozygous nucleotide variant c.3809del was identified in exon 7/36 of the canonical transcript NM_0001197104.2 | ENST00000534358.8 of the KMT2A gene. This single-nucleotide deletion results in the protein change p.Lys1270Argfs*86, causing a frameshift that replaces the lysine residue at position 1270 with an arginine, followed by a sequence of 86 aberrant amino acids and the introduction of a premature termination codon 86 residues downstream from the site of the original variant. Variants of this type generally result in degradation of the messenger RNA through the nonsense-mediated decay (NMD) pathway (PMID: 16757948; PMID: 17352659). KMT2A is a haploinsufficient gene (PMID: 22795537; PMID: 24818805; PMID: 27759909), and therefore this variant is expected to prevent protein translation, resulting in loss of protein function (PVS1). The identified variant is absent from population databases such as gnomAD, ExAC, and the 1000 Genomes Project (PM2_Supporting). In the DECIPHER database, this variant has been reported as likely pathogenic in a patient presenting with intellectual disability, speech delay, long eyelashes, and hypertelorism (patient 264154); in that patient, the variant occurred de novo with confirmed paternity (PS2). In the ClinVar database, the variant p.Lys1270Glufs*2 (RCV003547748.1) has been reported as pathogenic. This variant also causes a frameshift beginning at the same amino acid residue affected by the variant identified in the patient. The patient's phenotype is consistent with Wiedemann–Steiner syndrome, and KMT2A is strongly associated with this disorder (PP4).

Literature cited by the submitters: PubMed 16757948; PubMed 17352659; PubMed 22795537; PubMed 24818805; PubMed 27759909.